The following is an entry in ClinVar:

ClinVar aggregate classification (germline): Likely pathogenic (1 of 4 stars; one submission).

Conditions:
Macrocephaly-developmental delay syndrome (MRT41). Also called: INTELLECTUAL DEVELOPMENTAL DISORDER, AUTOSOMAL RECESSIVE 41. Identifiers: Orphanet 397612, MedGen C3810225, MONDO:0014289, OMIM 615637.

Submission:

Juno Genomics, Hangzhou Juno Genomics, Inc
Classification: Likely pathogenic for Macrocephaly-developmental delay syndrome. Review status: criteria provided, single submitter. Criteria: ACMG Guidelines, 2015. Collection method: clinical testing. Allele origin: germline.
Comment: Null variant in a gene where loss of function (LOF) is a known mechanism of disease.;Absent from controls (or at extremely low frequency if recessive) in Genome Aggregation Database.

NM_007059.4(KPTN):c.395-2A>C

Gene: KPTN (kaptin, actin binding protein; minus strand). Cytogenetic location: 19q13.32.
Variant type: single nucleotide variant.
Coding change: c.395-2A>C on transcript NM_007059.4 (MANE Select); the canonical splice acceptor site of the intron before coding-DNA position 395, A replaced by C.
Molecular consequence: splice acceptor variant.
Genome position (GRCh38, 1-based): chr19:47,483,217, T>G on the plus strand (A>C on the coding strand, the complement: KPTN is on the minus strand). VCF-style: chr19-47483217-T-G. GRCh37 (hg19) VCF-style: chr19-47986474-T-G.
Other names: c.227-2A>C (NM_001291296.2).
Identifiers: ClinVar variation 5006009 (VCV005006009.2).